The following is an entry in ClinVar:

NM_017617.5(NOTCH1):c.2314A>C (p.Thr772Pro)

Gene: NOTCH1 (notch receptor 1; minus strand). Cytogenetic location: 9q34.3.
Variant type: single nucleotide variant.
Coding change: c.2314A>C on transcript NM_017617.5 (MANE Select); coding-DNA position 2314, A replaced by C.
Protein change: p.Thr772Pro; replaces threonine 772 with proline.
Molecular consequence: missense variant.
Genome position (GRCh38, 1-based): chr9:136,513,431, T>G on the plus strand (A>C on the coding strand, the complement: NOTCH1 is on the minus strand). VCF-style: chr9-136513431-T-G. GRCh37 (hg19) VCF-style: chr9-139407883-T-G.
Other names: short protein forms T772P.
Identifiers: ClinVar variation 2132030 (VCV002132030.4), dbSNP rs2540452884, ClinGen allele CA375556994.

ClinVar aggregate classification (germline): Uncertain significance (1 of 4 stars; one submission).

Conditions:
Adams-Oliver syndrome 5 (AOS5). Identifiers: Orphanet 974, MedGen C4014970, MONDO:0014459, OMIM 616028.

Submission:

Labcorp Genetics (formerly Invitae), Labcorp
Classification: Uncertain significance for Adams-Oliver syndrome 5. Last evaluated: 2022-04-30. Review status: criteria provided, single submitter. Criteria: Invitae Variant Classification Sherloc (09022015). Collection method: clinical testing. Allele origin: germline.
Comment: In summary, the available evidence is currently insufficient to determine the role of this variant in disease. Therefore, it has been classified as a Variant of Uncertain Significance. Advanced modeling of protein sequence and biophysical properties (such as structural, functional, and spatial information, amino acid conservation, physicochemical variation, residue mobility, and thermodynamic stability) performed at Invitae indicates that this missense variant is not expected to disrupt NOTCH1 protein function. This variant has not been reported in the literature in individuals affected with NOTCH1-related conditions. This variant is not present in population databases (gnomAD no frequency). This sequence change replaces threonine, which is neutral and polar, with proline, which is neutral and non-polar, at codon 772 of the NOTCH1 protein (p.Thr772Pro).